The following is an entry in ClinVar:

ClinVar aggregate classification (germline): Uncertain significance (1 of 4 stars; one submission).

Submission:

GeneDx
Classification: Uncertain significance. Last evaluated: 2023-03-06. Review status: criteria provided, single submitter. Criteria: GeneDx Variant Classification Process June 2021. Collection method: clinical testing. Allele origin: germline. Affected: yes.
Comment: Not observed at significant frequency in large population cohorts (gnomAD); In silico analysis supports that this variant does not alter splicing; Has not been previously published as pathogenic or benign to our knowledge

NM_001292063.2(OTOG):c.873G>A (p.Leu291=)

Gene: OTOG (otogelin; plus strand). Cytogenetic location: 11p15.1.
Variant type: single nucleotide variant.
Coding change: c.873G>A on transcript NM_001292063.2 (MANE Select); coding-DNA position 873, G replaced by A.
Protein change: p.Leu291=; no amino-acid change (leucine 291 retained).
Molecular consequence: synonymous variant.
Genome position (GRCh38, 1-based): chr11:17,558,192, G>A. VCF-style: chr11-17558192-G-A. GRCh37 (hg19) VCF-style: chr11-17579739-G-A.
Other names: c.909G>A, p.Leu303= (NM_001277269.2).
Identifiers: ClinVar variation 2579516 (VCV002579516.1), dbSNP rs1203100649, ClinGen allele CA473306809.